The following is an entry in ClinVar:

ClinVar aggregate classification (germline): Uncertain significance. Review status: criteria provided, multiple submitters, no conflicts (2 of 4 stars). 2 submissions from 2 submitters: Uncertain significance (2). Last evaluated 2025-12-15.

Allele frequency attached by ClinVar (database versions not stated): TOPMed below 0.00001.
gnomAD v4.1: 8 of 1,600,206 alleles (0.0005%); highest among the groups gnomAD compares: African/African-American, 0.0013%; no homozygotes.

Submissions (2):

Labcorp Genetics (formerly Invitae), Labcorp
Classification: Uncertain significance. Last evaluated: 2025-12-15. Review status: criteria provided, single submitter. Criteria: Invitae Variant Classification Sherloc (09022015). Collection method: clinical testing. Allele origin: germline.
Comment: This sequence change replaces glycine, which is neutral and non-polar, with aspartic acid, which is acidic and polar, at codon 758 of the KCNH1 protein (p.Gly758Asp). This variant is present in population databases (rs746473001, gnomAD 0.003%). This variant has not been reported in the literature in individuals affected with KCNH1-related conditions. ClinVar contains an entry for this variant (Variation ID: 1690398). Invitae Evidence Modeling of protein sequence and biophysical properties (such as structural, functional, and spatial information, amino acid conservation, physicochemical variation, residue mobility, and thermodynamic stability) indicates that this missense variant is not expected to disrupt KCNH1 protein function with a negative predictive value of 95%. In summary, the available evidence is currently insufficient to determine the role of this variant in disease. Therefore, it has been classified as a Variant of Uncertain Significance.

Laboratorio de Genetica e Diagnostico Molecular, Hospital Israelita Albert Einstein
Classification: Uncertain significance. Last evaluated: 2021-06-22. Review status: criteria provided, single submitter. Criteria: ACMG Guidelines, 2015. Collection method: clinical testing. Allele origin: germline. Affected: yes.
Comment: ACMG classification criteria: PM2, PP2

NM_172362.3(KCNH1):c.2273G>A (p.Gly758Asp)

Gene: KCNH1 (potassium voltage-gated channel subfamily H member 1; minus strand). Cytogenetic location: 1q32.2.
Variant type: single nucleotide variant.
Coding change: c.2273G>A on transcript NM_172362.3 (MANE Select); coding-DNA position 2273, G replaced by A.
Protein change: p.Gly758Asp; replaces glycine 758 with aspartic acid.
Molecular consequence: missense variant.
Genome position (GRCh38, 1-based): chr1:210,683,978, C>T on the plus strand (G>A on the coding strand, the complement: KCNH1 is on the minus strand). VCF-style: chr1-210683978-C-T. GRCh37 (hg19) VCF-style: chr1-210857320-C-T.
Other names: c.2192G>A, p.Gly731Asp (NM_002238.4); short protein forms G731D, G758D.
Identifiers: ClinVar variation 1690398 (VCV001690398.5), dbSNP rs746473001, ClinGen allele CA1379723.
Genomic context (GRCh38, chr1:210,683,978, plus strand): 5'-GCGGAGGCATGCTCTGTAAGGACATTGCCCTTCTCCACATCTAGGTCATCCAGGTCCCGG[C>T]CCCCTCTCTCAGCTGCCAGCCTGGCCTCTTTCTGCTGTCGGAATCTCTGGAAGAGGCGCC-3'
Protein context (NP_758872.1, residues 748-768): KEARLAAERG[Gly758Asp]RDLDDLDVEK